The following is an entry in ClinVar:

ClinVar aggregate classification (germline): Conflicting classifications of pathogenicity. Review status: criteria provided, conflicting classifications (1 of 4 stars). 10 submissions from 10 submitters: Uncertain significance (2); Likely benign (7). 1 of the submissions does not count toward it. Last evaluated 2026-09-01.

Conditions:
Glycogen storage disease, type V (GSD5). Also called: MUSCLE GLYCOGEN PHOSPHORYLASE DEFICIENCY; MYOPHOSPHORYLASE DEFICIENCY; MCARDLE DISEASE; PYGM DEFICIENCY; McArdle type glycogen storage disease. Identifiers: Orphanet 368, MedGen C0017924, MONDO:0009293, OMIM 232600.

Allele frequency attached by ClinVar (database versions not stated): 1000 Genomes Project 0.00060; 1000 Genomes Project 30x 0.00109; ExAC 0.00119; gnomAD exomes 0.00144; gnomAD 0.00163 and 0.00175; TOPMed 0.00195; ESP Exome Variant Server 0.00215.
gnomAD v4.1: 3,548 of 1,613,948 alleles (0.22%); highest among the groups gnomAD compares: Non-Finnish European, 0.26%; 10 homozygotes.

Submissions (10):

CeGaT Center for Human Genetics Tuebingen
Classification: Likely benign. Last evaluated: 2026-09-01. Review status: criteria provided, single submitter. Criteria: CeGaT Center For Human Genetics Tuebingen Variant Classification Criteria Version 2. Collection method: clinical testing. Allele origin: germline. Affected: yes. Observed: 9 variant alleles.
Comment: PYGM: BP4, BP7

Labcorp Genetics (formerly Invitae), Labcorp
Classification: Likely benign for Glycogen storage disease, type V. Last evaluated: 2026-01-28. Review status: criteria provided, single submitter. Criteria: Invitae Variant Classification Sherloc (09022015). Collection method: clinical testing. Allele origin: germline.

Mayo Clinic Laboratories, Mayo Clinic
Classification: Likely benign. Last evaluated: 2025-07-21. Review status: criteria provided, single submitter. Criteria: ACMG Guidelines, 2015. Collection method: clinical testing. Allele origin: germline. Observed: 5 variant alleles.
Comment: BP4, BP7

Blueprint Genetics
Classification: Likely benign. Last evaluated: 2024-11-27. Review status: criteria provided, single submitter. Criteria: ACMG Guidelines, 2015. Collection method: clinical testing. Allele origin: germline.

Genome-Nilou Lab
Classification: Likely benign for Glycogen storage disease, type V. Last evaluated: 2021-05-18. Review status: criteria provided, single submitter. Criteria: ACMG Guidelines, 2015. Collection method: clinical testing. Allele origin: germline. Affected: no.

GeneDx
Classification: Likely benign. Last evaluated: 2021-01-19. Review status: criteria provided, single submitter. Criteria: GeneDx Variant Classification Process June 2021. Collection method: clinical testing. Allele origin: germline. Affected: yes.

Illumina Laboratory Services, Illumina
Classification: Uncertain significance for Glycogen storage disease, type V. Last evaluated: 2018-01-13. Review status: criteria provided, single submitter. Criteria: ICSL Variant Classification Criteria 13 December 2019. Collection method: clinical testing. Allele origin: germline.

Eurofins Ntd Llc (ga)
Classification: Uncertain significance. Last evaluated: 2015-03-25. Review status: criteria provided, single submitter. Criteria: EGL Classification Definitions 2015. Collection method: clinical testing. Allele origin: germline. Observed: 1 variant allele, 1 heterozygote.

PreventionGenetics, part of Exact Sciences
Classification: Likely benign. Review status: criteria provided, single submitter. Criteria: ACMG Guidelines, 2015. Collection method: clinical testing. Allele origin: germline.

Natera, Inc.
Classification: Benign for Glycogen storage disease V. Last evaluated: 2019-10-22. Review status: no assertion criteria provided. Collection method: clinical testing. Allele origin: germline. Not counted in ClinVar's aggregate classification.

NM_005609.4(PYGM):c.924C>T (p.Ile308=)

Gene: PYGM (glycogen phosphorylase, muscle associated; minus strand). Cytogenetic location: 11q13.1.
Variant type: single nucleotide variant.
Coding change: c.924C>T on transcript NM_005609.4 (MANE Select); coding-DNA position 924, C replaced by T.
Protein change: p.Ile308=; no amino-acid change (isoleucine 308 retained).
Molecular consequence: synonymous variant.
Genome position (GRCh38, 1-based): chr11:64,754,768, G>A on the plus strand (C>T on the coding strand, the complement: PYGM is on the minus strand). VCF-style: chr11-64754768-G-A. GRCh37 (hg19) VCF-style: chr11-64522240-G-A.
Other names: p.Ile308=; c.660C>T, p.Ile220= (NM_001164716.1).
Identifiers: ClinVar variation 198831 (VCV000198831.63), dbSNP rs139726186, ClinGen allele CA247669.